The following is an entry in ClinVar:

ClinVar aggregate classification (germline): Uncertain significance (1 of 4 stars; one submission).

Submission:

Ambry Genetics
Classification: Uncertain significance. Last evaluated: 2024-01-14. Review status: criteria provided, single submitter. Criteria: Ambry Variant Classification Scheme 2023. Collection method: clinical testing. Allele origin: germline.
Comment: The p.P838S variant (also known as c.2512C>T), located in coding exon 15 of the POLQ gene, results from a C to T substitution at nucleotide position 2512. The proline at codon 838 is replaced by serine, an amino acid with similar properties. This amino acid position is conserved. In addition, this alteration is predicted to be tolerated by in silico analysis. Since supporting evidence is limited at this time, the clinical significance of this alteration remains unclear.

NM_199420.4(POLQ):c.2512C>T (p.Pro838Ser)

Gene: POLQ (DNA polymerase theta; minus strand). Cytogenetic location: 3q13.33.
Variant type: single nucleotide variant.
Coding change: c.2512C>T on transcript NM_199420.4 (MANE Select); coding-DNA position 2512, C replaced by T.
Protein change: p.Pro838Ser; replaces proline 838 with serine.
Molecular consequence: missense variant.
Genome position (GRCh38, 1-based): chr3:121,493,488, G>A on the plus strand (C>T on the coding strand, the complement: POLQ is on the minus strand). VCF-style: chr3-121493488-G-A. GRCh37 (hg19) VCF-style: chr3-121212335-G-A.
Other names: short protein forms P838S.
Identifiers: ClinVar variation 3229886 (VCV003229886.1), dbSNP rs2546790630, ClinGen allele CA354107185.